The following is an entry in ClinVar:

ClinVar aggregate classification (germline): Uncertain significance (1 of 4 stars; one submission).

Conditions:
Glycogen storage disease, type VII (GSD7). Also called: TARUI DISEASE; GSD VII; MUSCLE PHOSPHOFRUCTOKINASE DEFICIENCY; PFKM DEFICIENCY. Identifiers: Orphanet 371, MedGen C0017926, MONDO:0009295, OMIM 232800.

gnomAD v4.1: 14 of 1,614,150 alleles (0.00087%); highest among the groups gnomAD compares: Non-Finnish European, 0.0012%; no homozygotes.

Submission:

ARUP Laboratories, Molecular Genetics and Genomics, ARUP Laboratories
Classification: Uncertain significance for Glycogen storage disease, type VII. Last evaluated: 2025-06-05. Review status: criteria provided, single submitter. Criteria: ARUP Molecular Germline Variant Investigation Process 2024. Collection method: clinical testing. Allele origin: germline.
Comment: The PFKM c.58G>A; p.Val20Ile variant (rs750247924), to our knowledge, is not reported in the medical literature or gene specific databases. This variant is only observed on two alleles in the Genome Aggregation Database (v2.1.1), indicating it is not a common polymorphism. Computational analyses are uncertain whether this variant is neutral or deleterious (REVEL: 0.411). Due to limited information, the clinical significance of this variant is uncertain at this time.

NM_000289.6(PFKM):c.58G>A (p.Val20Ile)

Gene: PFKM (phosphofructokinase, muscle; plus strand). Cytogenetic location: 12q13.11.
Variant type: single nucleotide variant.
Coding change: c.58G>A on transcript NM_000289.6 (MANE Select); coding-DNA position 58, G replaced by A.
Protein change: p.Val20Ile; replaces valine 20 with isoleucine.
Molecular consequence: missense variant. On other transcripts: 5 prime UTR variant (3), non-coding transcript variant (6).
Genome position (GRCh38, 1-based): chr12:48,122,832, G>A. VCF-style: chr12-48122832-G-A. GRCh37 (hg19) VCF-style: chr12-48516615-G-A.
Other names: c.271G>A, p.Val91Ile (NM_001166686.2, NM_001354737.1, NM_001354738.1 and 2 more transcripts); c.58G>A, p.Val20Ile (NM_001166687.2, NM_001166688.2, NM_001354742.2 and 4 more transcripts); c.367G>A, p.Val123Ile (NM_001354735.1, NM_001354736.1); c.202G>A, p.Val68Ile (NM_001354740.1); c.82G>A, p.Val28Ile (NM_001354741.2); c.-268G>A (NM_001354745.2); c.-19G>A (NM_001354747.2, NM_001354748.2); short protein forms V123I, V20I, V28I, V68I, V91I.
Identifiers: ClinVar variation 4685866 (VCV004685866.1).